The following is an entry in ClinVar:

ClinVar aggregate classification (germline): Uncertain significance (1 of 4 stars; one submission).

Allele frequency attached by ClinVar (database versions not stated): gnomAD exomes below 0.00001.
gnomAD v4.1: 1 of 1,613,756 alleles (0.000062%); highest among the groups gnomAD compares: East Asian, 0.0022%; no homozygotes.

Submission:

Labcorp Genetics (formerly Invitae), Labcorp
Classification: Uncertain significance. Last evaluated: 2024-05-21. Review status: criteria provided, single submitter. Criteria: Invitae Variant Classification Sherloc (09022015). Collection method: clinical testing. Allele origin: germline.
Comment: This sequence change replaces serine, which is neutral and polar, with alanine, which is neutral and non-polar, at codon 411 of the GATAD2B protein (p.Ser411Ala). This variant is present in population databases (no rsID available, gnomAD 0.006%). This variant has not been reported in the literature in individuals affected with GATAD2B-related conditions. ClinVar contains an entry for this variant (Variation ID: 2122616). Advanced modeling of protein sequence and biophysical properties (such as structural, functional, and spatial information, amino acid conservation, physicochemical variation, residue mobility, and thermodynamic stability) performed at Invitae indicates that this missense variant is not expected to disrupt GATAD2B protein function with a negative predictive value of 80%. In summary, the available evidence is currently insufficient to determine the role of this variant in disease. Therefore, it has been classified as a Variant of Uncertain Significance.

NM_020699.4(GATAD2B):c.1231T>G (p.Ser411Ala)

Gene: GATAD2B (GATA zinc finger domain containing 2B; minus strand). Cytogenetic location: 1q21.3.
Variant type: single nucleotide variant.
Coding change: c.1231T>G on transcript NM_020699.4 (MANE Select); coding-DNA position 1231, T replaced by G.
Protein change: p.Ser411Ala; replaces serine 411 with alanine.
Molecular consequence: missense variant.
Genome position (GRCh38, 1-based): chr1:153,813,438, A>C on the plus strand (T>G on the coding strand, the complement: GATAD2B is on the minus strand). VCF-style: chr1-153813438-A-C. GRCh37 (hg19) VCF-style: chr1-153785914-A-C.
Other names: short protein forms S411A.
Identifiers: ClinVar variation 2122616 (VCV002122616.4), dbSNP rs1347054177, ClinGen allele CA342525412.